The following is an entry in ClinVar:

ClinVar aggregate classification (germline): Conflicting classifications of pathogenicity. Review status: criteria provided, conflicting classifications (1 of 4 stars). 4 submissions from 4 submitters: Pathogenic (1); Uncertain significance (2). 1 of the submissions does not count toward it. Last evaluated 2021-04-21.

Conditions:
Bardet-Biedl syndrome (BBS). Identifiers: Orphanet 110, MedGen C0752166, MONDO:0015229.
Bardet-Biedl syndrome 1 (BBS1). Identifiers: MedGen C2936862, MONDO:0008854, OMIM 209900. Disease mechanism: loss of function.

Allele frequency attached by ClinVar (database versions not stated): ExAC 0.00001.
gnomAD v4.1: 1 of 1,614,120 alleles (0.000062%); highest among the groups gnomAD compares: South Asian, 0.0011%; no homozygotes.

Submissions (4):

Labcorp Genetics (formerly Invitae), Labcorp
Classification: Uncertain significance for Bardet-Biedl syndrome. Last evaluated: 2021-04-21. Review status: criteria provided, single submitter. Criteria: Invitae Variant Classification Sherloc (09022015). Collection method: clinical testing. Allele origin: germline.
Comment: This variant is present in population databases (rs113994179, ExAC 0.006%). This sequence change falls in intron 9 of the BBS1 gene. It does not directly change the encoded amino acid sequence of the BBS1 protein. It affects a nucleotide within the consensus splice site of the intron. This variant has been observed in individual(s) with clinical features of Bardet-Biedl syndrome (PMID: 12677556). This variant is also known as IVS9-3C>G. ClinVar contains an entry for this variant (Variation ID: 21707). Nucleotide substitutions within the consensus splice site are a relatively common cause of aberrant splicing (PMID: 17576681, 9536098). Algorithms developed to predict the effect of sequence changes on RNA splicing suggest that this variant may disrupt the consensus splice site, but this prediction has not been confirmed by published transcriptional studies. In summary, the available evidence is currently insufficient to determine the role of this variant in disease. Therefore, it has been classified as a Variant of Uncertain Significance.

Baylor Genetics
Classification: Uncertain significance for Bardet-Biedl syndrome 1. Last evaluated: 2020-01-20. Review status: criteria provided, single submitter. Criteria: ACMG Guidelines, 2015. Collection method: clinical testing. Allele origin: unknown. Affected: yes.
Comment: This variant was determined to be of uncertain significance according to ACMG Guidelines, 2015 [PMID:25741868].

Institute of Human Genetics Munich, TUM University Hospital
Classification: Pathogenic for Bardet-Biedl syndrome 1. Last evaluated: 2018-01-25. Review status: criteria provided, single submitter. Criteria: Classification criteria August 2017. Collection method: clinical testing. Allele origin: inherited. Inheritance: Autosomal recessive inheritance. Affected: yes. Observed: 2 homozygotes.

GeneReviews
Classification: Pathogenic for Bardet-Biedl Syndrome. Last evaluated: 2009-10-13. Review status: no assertion criteria provided. Collection method: curation. Allele origin: unknown. Not counted in ClinVar's aggregate classification.
ClinVar note: Converted during submission from pathologic to Pathogenic.

Literature cited by the submitters: PubMed 12677556 (cited by Labcorp Genetics (formerly Invitae), Labcorp); PubMed 17576681 (cited by Labcorp Genetics (formerly Invitae), Labcorp); PubMed 9536098 (cited by Labcorp Genetics (formerly Invitae), Labcorp).

NM_024649.5(BBS1):c.831-3C>G

Genes: BBS1 (Bardet-Biedl syndrome 1; plus strand), ZDHHC24 (zDHHC palmitoyltransferase 24; minus strand). Cytogenetic location: 11q13.2.
Variant type: single nucleotide variant.
Coding change: c.831-3C>G on transcript NM_024649.5 (MANE Select); 3 bases into the intron before coding-DNA position 831, C replaced by G.
Molecular consequence: intron variant.
Genome position (GRCh38, 1-based): chr11:66,523,453, C>G. VCF-style: chr11-66523453-C-G. GRCh37 (hg19) VCF-style: chr11-66290924-C-G.
Other names: NM_024649.4:IVS9-3C>G; c.*22-1987G>C (NM_001348571.2).
Identifiers: ClinVar variation 21707 (VCV000021707.17), dbSNP rs113994179, ClinGen allele CA342397.